The following is an entry in ClinVar:

ClinVar aggregate classification (germline): Benign (1 of 4 stars; one submission).

Allele frequency attached by ClinVar (database versions not stated): 1000 Genomes Project 0.59405; 1000 Genomes Project 30x 0.59963; TOPMed 0.66271; gnomAD 0.68981 and 0.69131.
gnomAD v4.1: 104,964 of 151,858 alleles (69%); highest among the groups gnomAD compares: Non-Finnish European, 81%; 37,820 homozygotes.

Submission:

GeneDx
Classification: Benign. Last evaluated: 2018-06-18. Review status: criteria provided, single submitter. Criteria: GeneDx Variant Classification (06012015). Collection method: clinical testing. Allele origin: germline. Affected: yes.
Comment: This variant is considered likely benign or benign based on one or more of the following criteria: it is a conservative change, it occurs at a poorly conserved position in the protein, it is predicted to be benign by multiple in silico algorithms, and/or has population frequency not consistent with disease.

NM_213599.3(ANO5):c.180+279T>C

Gene: ANO5 (anoctamin 5; plus strand). Cytogenetic location: 11p14.3.
Variant type: single nucleotide variant.
Coding change: c.180+279T>C on transcript NM_213599.3 (MANE Select); 279 bases into the intron after coding-DNA position 180, T replaced by C.
Molecular consequence: intron variant.
Genome position (GRCh38, 1-based): chr11:22,218,566, T>C. VCF-style: chr11-22218566-T-C. GRCh37 (hg19) VCF-style: chr11-22240112-T-C.
Other names: c.177+279T>C (NM_001142649.2).
Identifiers: ClinVar variation 667964 (VCV000667964.1), dbSNP rs4543996, ClinGen allele CA13376336.